The following is an entry in ClinVar:

NM_022773.4(LMF1):c.514+2521C>T

Genes: LMF1 (lipase maturation factor 1; minus strand), LMF1-AS1 (LMF1 antisense RNA 1; plus strand). Cytogenetic location: 16p13.3.
Variant type: single nucleotide variant.
Coding change: c.514+2521C>T on transcript NM_022773.4 (MANE Select); 2521 bases into the intron after coding-DNA position 514, C replaced by T.
Molecular consequence: intron variant. On other transcripts: 5 prime UTR variant (1).
Genome position (GRCh38, 1-based): chr16:931,723, G>A on the plus strand (C>T on the coding strand, the complement: LMF1 is on the minus strand). VCF-style: chr16-931723-G-A. GRCh37 (hg19) VCF-style: chr16-981723-G-A.
Other names: c.-219C>T (NM_001352017.2); c.187+2521C>T (NM_001352019.2); c.115+2268C>T (NM_001352018.2); c.514+2521C>T (NM_001352020.1); c.-138+2467C>T (NM_001352021.2).
Identifiers: ClinVar variation 3895391 (VCV003895391.1), dbSNP rs117766692.

ClinVar aggregate classification (germline): Benign (1 of 4 stars; one submission).

gnomAD v4.1: 41,196 of 1,287,190 alleles (3.2%); highest among the groups gnomAD compares: Non-Finnish European, 3.6%; 816 homozygotes.

Submission:

Molecular Diagnostic Laboratory for Inherited Cardiovascular Disease, Montreal Heart Institute
Classification: Benign. Last evaluated: 2025-04-09. Review status: criteria provided, single submitter. Criteria: ACMG Guidelines, 2015. Collection method: clinical testing. Allele origin: germline. Affected: no.
Comment: BS1